The following is an entry in ClinVar:

NM_153252.5(BRWD3):c.4345_4351del (p.Arg1449fs)

Gene: BRWD3 (bromodomain and WD repeat domain containing 3; minus strand). Cytogenetic location: Xq21.1.
Variant type: Deletion.
Coding change: c.4345_4351del on transcript NM_153252.5 (MANE Select); coding-DNA positions 4345 to 4351, 7 bases deleted (AGAAAAC; older notation c.4345_4351delAGAAAAC).
Protein change: p.Arg1449fs; shifts the reading frame from arginine 1449.
Molecular consequence: frameshift variant.
Genome position (GRCh38, 1-based): chrX:80,682,511-80,682,517, GTTTTCT deleted on the plus strand (AGAAAAC on the coding strand, the reverse complement: BRWD3 is on the minus strand); deleting any 7 consecutive bases within chrX:80,682,511-80,682,519 gives the same sequence; the c. name uses the placement nearest the transcript's 3' end. VCF-style (leftmost placement, unchanged base first): chrX-80682510-CGTTTTCT-C. GRCh37 (hg19) VCF-style: chrX-79938009-CGTTTTCT-C.
Other names: short protein forms R1449fs.
Identifiers: ClinVar variation 3346404 (VCV003346404.1).
Genomic context (GRCh38, chrX:80,682,510, plus strand): 5'-TCAATGTAATGATACCTAGGTGCTCCACTACTAGATAATGAACTGCTGCTGCTTCTTAGA[CGTTTTCT>C]GTACCGTGGCCTTCTCCTCTTCTGACTCTGGATTGCTGACTTATATTCAGAGATGATATT-3'

ClinVar aggregate classification (germline): Likely pathogenic (0 of 4 stars; one submission).

Conditions:
BRWD3-related disorder. Also called: BRWD3-related condition.

Submission:

PreventionGenetics, part of Exact Sciences
Classification: Likely pathogenic for BRWD3-related condition. Last evaluated: 2024-05-25. Review status: no assertion criteria provided. Collection method: clinical testing. Allele origin: germline.
Comment: The BRWD3 c.4345_4351del7 variant is predicted to result in a frameshift and premature protein termination (p.Arg1449Valfs*2). To our knowledge, this variant has not been reported in the literature or in a large population database, indicating this variant is rare. Frameshift variants in BRWD3 are expected to be pathogenic. This variant is interpreted as likely pathogenic.